The following is an entry in ClinVar:

NM_005359.6(SMAD4):c.907C>A (p.Pro303Thr)

Gene: SMAD4 (SMAD family member 4; plus strand). Cytogenetic location: 18q21.2.
Variant type: single nucleotide variant.
Coding change: c.907C>A on transcript NM_005359.6 (MANE Select); coding-DNA position 907, C replaced by A.
Protein change: p.Pro303Thr; replaces proline 303 with threonine.
Molecular consequence: missense variant. On other transcripts: non-coding transcript variant (2).
Genome position (GRCh38, 1-based): chr18:51,059,868, C>A. VCF-style: chr18-51059868-C-A. GRCh37 (hg19) VCF-style: chr18-48586238-C-A.
Other names: c.907C>A, p.Pro303Thr (NM_001407041.1, NM_001407043.1, NM_001407042.1); short protein forms P303T.
Identifiers: ClinVar variation 2774525 (VCV002774525.2), dbSNP rs1568206575, ClinGen allele CA402463639.

ClinVar aggregate classification (germline): Uncertain significance (1 of 4 stars; one submission).

Conditions:
Hereditary cancer-predisposing syndrome. Also called: Neoplastic Syndromes, Hereditary; Tumor predisposition; Hereditary Cancer Syndrome; Hereditary neoplastic syndrome. Identifiers: Orphanet 140162, MedGen C0027672, MeSH D009386, MONDO:0015356.

Submission:

Color Diagnostics, LLC DBA Color Health
Classification: Uncertain significance for Hereditary cancer-predisposing syndrome. Last evaluated: 2023-11-13. Review status: criteria provided, single submitter. Criteria: ACMG Guidelines, 2015. Collection method: clinical testing. Allele origin: germline.
Comment: This missense variant replaces proline with threonine at codon 303 of the SMAD4 protein. Computational prediction is inconclusive regarding the impact of this variant on protein structure and function (internally defined REVEL score threshold 0.5 < inconclusive < 0.7, PMID: 27666373). To our knowledge, functional studies have not been reported for this variant. This variant has not been reported in individuals affected with SMAD4-related disorders in the literature. This variant has not been identified in the general population by the Genome Aggregation Database (gnomAD). The available evidence is insufficient to determine the role of this variant in disease conclusively. Therefore, this variant is classified as a Variant of Uncertain Significance.